The following is an entry in ClinVar:

ClinVar aggregate classification (germline): Uncertain significance (1 of 4 stars; one submission).

Conditions:
Pulmonary fibrosis and/or bone marrow failure, Telomere-related, 3. Also called: PULMONARY FIBROSIS AND/OR BONE MARROW FAILURE SYNDROME, TELOMERE-RELATED, 3. Identifiers: Orphanet 2032, MedGen C4225346, MONDO:0014613, OMIM 616373.
Dyskeratosis congenita, autosomal recessive 5 (DKCB5). Identifiers: MedGen C3554656, MONDO:0014076, OMIM 615190.

Allele frequency attached by ClinVar (database versions not stated): 1000 Genomes Project 0.00020; gnomAD 0.00001; 1000 Genomes Project 30x 0.00016.

Submission:

Labcorp Genetics (formerly Invitae), Labcorp
Classification: Uncertain significance for Dyskeratosis congenita, autosomal recessive 5; Pulmonary fibrosis and/or bone marrow failure, Telomere-related, 3. Last evaluated: 2025-09-10. Review status: criteria provided, single submitter. Criteria: Invitae Variant Classification Sherloc (09022015). Collection method: clinical testing. Allele origin: germline.
Comment: This sequence change replaces glutamic acid, which is acidic and polar, with lysine, which is basic and polar, at codon 354 of the RTEL1 protein (p.Glu354Lys). This variant is not present in population databases (gnomAD no frequency). This variant has not been reported in the literature in individuals affected with RTEL1-related conditions. ClinVar contains an entry for this variant (Variation ID: 2171948). An algorithm developed to predict the effect of missense changes on protein structure and function (PolyPhen-2) suggests that this variant is likely to be tolerated. In summary, the available evidence is currently insufficient to determine the role of this variant in disease. Therefore, it has been classified as a Variant of Uncertain Significance.

NM_001283009.2(RTEL1):c.1060G>A (p.Glu354Lys)

Genes: RTEL1 (regulator of telomere elongation helicase 1; plus strand), RTEL1-TNFRSF6B (RTEL1-TNFRSF6B readthrough (NMD candidate); plus strand). Cytogenetic location: 20q13.33.
Variant type: single nucleotide variant.
Coding change: c.1060G>A on transcript NM_001283009.2 (MANE Select); coding-DNA position 1060, G replaced by A.
Protein change: p.Glu354Lys; replaces glutamic acid 354 with lysine.
Molecular consequence: missense variant. On other transcripts: non-coding transcript variant (1).
Genome position (GRCh38, 1-based): chr20:63,679,871, G>A. VCF-style: chr20-63679871-G-A. GRCh37 (hg19) VCF-style: chr20-62311224-G-A.
Other names: c.391G>A, p.Glu131Lys (NM_001283010.1); c.1060G>A, p.Glu354Lys (NM_016434.4); c.1132G>A, p.Glu378Lys (NM_032957.5); short protein forms E131K, E354K, E378K.
Identifiers: ClinVar variation 2171948 (VCV002171948.4), dbSNP rs200050803, ClinGen allele CA317501063.